The following is an entry in ClinVar:

NM_001135629.3(PPP1R21):c.415G>T (p.Glu139Ter)

Gene: PPP1R21 (protein phosphatase 1 regulatory subunit 21; plus strand). Cytogenetic location: 2p16.3.
Variant type: single nucleotide variant.
Coding change: c.415G>T on transcript NM_001135629.3 (MANE Select); coding-DNA position 415, G replaced by T.
Protein change: p.Glu139Ter; replaces glutamic acid 139 with a stop codon.
Molecular consequence: nonsense. On other transcripts: non-coding transcript variant (1).
Genome position (GRCh38, 1-based): chr2:48,459,793, G>T. VCF-style: chr2-48459793-G-T. GRCh37 (hg19) VCF-style: chr2-48686932-G-T.
Other names: c.415G>T, p.Glu139Ter (NM_001193475.2, NM_152994.5); short protein forms E139*.
Identifiers: ClinVar variation 2302092 (VCV002302092.2), dbSNP rs1667894875, ClinGen allele CA346745058.

ClinVar aggregate classification (germline): Pathogenic (1 of 4 stars; one submission).

Conditions:
Inborn genetic diseases. Identifiers: MedGen C0950123, MeSH D030342.

Allele frequency attached by ClinVar (database versions not stated): gnomAD 0.00002; TOPMed 0.00002.
gnomAD v4.1: 4 of 1,613,896 alleles (0.00025%); highest among the groups gnomAD compares: Non-Finnish European, 0.00034%; no homozygotes.

Submission:

Ambry Genetics
Classification: Pathogenic for Inborn genetic diseases. Last evaluated: 2022-08-22. Review status: criteria provided, single submitter. Criteria: Ambry Variant Classification Scheme 2023. Collection method: clinical testing. Allele origin: germline.
Comment: The c.415G>T (p.E139*) alteration, located in exon 5 (coding exon 5) of the PPP1R21 gene, consists of a G to T substitution at nucleotide position 415. This changes the amino acid from a glutamic acid (E) to a stop codon at amino acid position 139. This alteration is expected to result in loss of function by premature protein truncation or nonsense-mediated mRNA decay. This variant was not reported in population-based cohorts in the Genome Aggregation Database (gnomAD). Based on the available evidence, this alteration is classified as pathogenic.